The following is an entry in ClinVar:

NM_001709.5(BDNF):c.-21-15533T>C

Genes: BDNF (brain derived neurotrophic factor; minus strand), BDNF-AS (BDNF antisense RNA; plus strand). Cytogenetic location: 11p14.1.
Variant type: single nucleotide variant.
Coding change: c.-21-15533T>C on transcript NM_001709.5 (MANE Select); 15533 bases into the intron before 21 bases upstream of the start codon, T replaced by C.
Molecular consequence: intron variant. On other transcripts: missense variant (1), 5 prime UTR variant (1).
Genome position (GRCh38, 1-based): chr11:27,674,118, A>G on the plus strand (T>C on the coding strand, the complement: BDNF is on the minus strand). VCF-style: chr11-27674118-A-G. GRCh37 (hg19) VCF-style: chr11-27695665-A-G.
Other names: c.167T>C, p.Val56Ala (NM_001143810.2); c.-197T>C (NM_001143811.2); c.4-15533T>C (NM_170731.5); c.-21-15533T>C (NM_001143805.1, NM_001143806.1, NM_170732.4 and 5 more transcripts); c.67-15533T>C (NM_001143809.2); c.-128-15192T>C (NM_001143814.2); c.25-15533T>C (NM_170734.4); short protein forms V56A.
Identifiers: ClinVar variation 2633136 (VCV002633136.4), dbSNP rs551669106, ClinGen allele CA5929181.

ClinVar aggregate classification (germline): Uncertain significance (1 of 4 stars; one submission).

Conditions:
BDNF-related disorder. Also called: BDNF-related condition.

Allele frequency attached by ClinVar (database versions not stated): gnomAD exomes 0.00011; ExAC 0.00012; TOPMed 0.00014; gnomAD 0.00019; 1000 Genomes Project 0.00020; 1000 Genomes Project 30x 0.00031.
gnomAD v4.1: 191 of 1,612,152 alleles (0.012%); highest among the groups gnomAD compares: Admixed American, 0.023%; 1 homozygote.

Submission:

PreventionGenetics, part of Exact Sciences
Classification: Uncertain significance for BDNF-related condition. Last evaluated: 2025-03-11. Review status: criteria provided, single submitter. Criteria: ACMG Guidelines, 2015. Collection method: clinical testing. Allele origin: germline.
Comment: The BDNF c.167T>C variant is predicted to result in the amino acid substitution p.Val56Ala. This variant can also be referred to as pre-coding variant c.-15554T>C in the transcript NM_170735. This variant has been reported in a study of patients with short normal stature (SNS), but the significance is unknown (Herrfurth et al. 2018. PubMed ID: 30134862). This variant is reported in 0.017% of alleles in individuals of Latino descent in gnomAD. At this time, the clinical significance of this variant is uncertain due to the absence of conclusive functional and genetic evidence.